The following is an entry in ClinVar:

NM_002474.3(MYH11):c.1823A>G (p.Asn608Ser)

Gene: MYH11 (myosin heavy chain 11; minus strand). Cytogenetic location: 16p13.11.
Variant type: single nucleotide variant.
Coding change: c.1823A>G on transcript NM_002474.3 (MANE Select); coding-DNA position 1823, A replaced by G.
Protein change: p.Asn608Ser; replaces asparagine 608 with serine.
Molecular consequence: missense variant.
Genome position (GRCh38, 1-based): chr16:15,753,435, T>C on the plus strand (A>G on the coding strand, the complement: MYH11 is on the minus strand). VCF-style: chr16-15753435-T-C. GRCh37 (hg19) VCF-style: chr16-15847292-T-C.
Other names: c.1844A>G, p.Asn615Ser (NM_001040113.2, NM_001040114.2); c.1823A>G, p.Asn608Ser (NM_022844.3); short protein forms N615S, N608S.
Identifiers: ClinVar variation 405478 (VCV000405478.13), dbSNP rs750642581, ClinGen allele CA7922504.

ClinVar aggregate classification (germline): Conflicting classifications of pathogenicity. Review status: criteria provided, conflicting classifications (1 of 4 stars). 5 submissions from 5 submitters: Uncertain significance (2); Likely benign (3). Last evaluated 2025-11-24.

Conditions:
Familial thoracic aortic aneurysm and aortic dissection (TAAD). Also called: Thoracic aortic aneurysms and dissections. Identifiers: Orphanet 91387, MedGen C4707243, MONDO:0019625.
Aortic aneurysm, familial thoracic 4 (AAT4). Also called: AORTIC ANEURYSM/AORTIC DISSECTION AND PATENT DUCTUS ARTERIOSUS. Identifiers: MedGen C1851504, MONDO:0007568, OMIM 132900.

Allele frequency attached by ClinVar (database versions not stated): gnomAD 0.00001; gnomAD exomes 0.00004 and 0.00006; ExAC 0.00005; TOPMed 0.00006.
gnomAD v4.1: 23 of 1,613,986 alleles (0.0014%); highest among the groups gnomAD compares: Admixed American, 0.033%; no homozygotes.

Submissions (5):

Labcorp Genetics (formerly Invitae), Labcorp
Classification: Uncertain significance for Aortic aneurysm, familial thoracic 4. Last evaluated: 2025-11-24. Review status: criteria provided, single submitter. Criteria: Invitae Variant Classification Sherloc (09022015). Collection method: clinical testing. Allele origin: germline.
Comment: This sequence change replaces asparagine, which is neutral and polar, with serine, which is neutral and polar, at codon 615 of the MYH11 protein (p.Asn615Ser). This variant is present in population databases (rs750642581, gnomAD 0.04%). This variant has not been reported in the literature in individuals affected with MYH11-related conditions. ClinVar contains an entry for this variant (Variation ID: 405478). Invitae Evidence Modeling of protein sequence and biophysical properties (such as structural, functional, and spatial information, amino acid conservation, physicochemical variation, residue mobility, and thermodynamic stability) indicates that this missense variant is not expected to disrupt MYH11 protein function with a negative predictive value of 95%. In summary, the available evidence is currently insufficient to determine the role of this variant in disease. Therefore, it has been classified as a Variant of Uncertain Significance.

All of Us Research Program, National Institutes of Health
Classification: Likely benign for Familial thoracic aortic aneurysm and aortic dissection. Last evaluated: 2024-02-05. Review status: criteria provided, single submitter. Criteria: ACMG Guidelines, 2015. Collection method: clinical testing. Allele origin: germline. Inheritance: Autosomal dominant inheritance. Observed: 6 variant alleles, 6 heterozygotes.
Comment: This study involves interpretation of variants in research participants for the purpose of population health screening. Participant phenotype was not available at the time of variant classification. Additional details can be found in publication PMID: 35346344, PMCID: PMC8962531

Women's Health and Genetics/Laboratory Corporation of America, LabCorp
Classification: Likely benign. Last evaluated: 2023-08-10. Review status: criteria provided, single submitter. Criteria: LabCorp Variant Classification Summary - May 2015. Collection method: clinical testing. Allele origin: germline.

Ambry Genetics
Classification: Uncertain significance for Familial thoracic aortic aneurysm and aortic dissection. Last evaluated: 2022-02-25. Review status: criteria provided, single submitter. Criteria: Ambry Variant Classification Scheme 2023. Collection method: clinical testing. Allele origin: germline.
Comment: The p.N608S variant (also known as c.1823A>G), located in coding exon 14 of the MYH11 gene, results from an A to G substitution at nucleotide position 1823. The asparagine at codon 608 is replaced by serine, an amino acid with highly similar properties. This amino acid position is well conserved in available vertebrate species. In addition, this alteration is predicted to be tolerated by in silico analysis. Since supporting evidence is limited at this time, the clinical significance of this alteration remains unclear.

Color Diagnostics, LLC DBA Color Health
Classification: Likely benign for Familial thoracic aortic aneurysm and aortic dissection. Last evaluated: 2021-05-18. Review status: criteria provided, single submitter. Criteria: ACMG Guidelines, 2015. Collection method: clinical testing. Allele origin: germline.